The following is an entry in ClinVar:

NM_138694.4(PKHD1):c.5750A>C (p.Gln1917Pro)

Gene: PKHD1 (PKHD1 ciliary IPT domain containing fibrocystin/polyductin; minus strand). Cytogenetic location: 6p12.2.
Variant type: single nucleotide variant.
Coding change: c.5750A>C on transcript NM_138694.4 (MANE Select); coding-DNA position 5750, A replaced by C.
Protein change: p.Gln1917Pro; replaces glutamine 1917 with proline.
Molecular consequence: missense variant.
Genome position (GRCh38, 1-based): chr6:52,010,310, T>G on the plus strand (A>C on the coding strand, the complement: PKHD1 is on the minus strand). VCF-style: chr6-52010310-T-G. GRCh37 (hg19) VCF-style: chr6-51875108-T-G.
Other names: c.5750A>C, p.Gln1917Pro (NM_170724.3); short protein forms Q1917P.
Identifiers: ClinVar variation 3384777 (VCV003384777.1).

ClinVar aggregate classification (germline): Uncertain significance (1 of 4 stars; one submission).

gnomAD v4.1: 4 of 1,613,398 alleles (0.00025%); highest among the groups gnomAD compares: Non-Finnish European, 0.00034%; no homozygotes.

Submission:

Women's Health and Genetics/Laboratory Corporation of America, LabCorp
Classification: Uncertain significance. Last evaluated: 2024-10-10. Review status: criteria provided, single submitter. Criteria: LabCorp Variant Classification Summary - May 2015. Collection method: clinical testing. Allele origin: germline.
Comment: Variant summary: PKHD1 c.5750A>C (p.Gln1917Pro) results in a non-conservative amino acid change in the encoded protein sequence. Five of five in-silico tools predict a damaging effect of the variant on protein function. Several computational tools predict a significant impact on normal splicing: Two predict the variant abolishes a 5' splicing donor site. Two predict the variant weakens a 5' donor site. However, these predictions have yet to be confirmed by functional studies. The variant was absent in 251178 control chromosomes. The available data on variant occurrences in the general population are insufficient to allow any conclusion about variant significance. c.5750A>C has been reported in the literature in at least one compound heterozygous individual affected with Polycystic Kidney And Hepatic Disease (Losekoot_2005). These data do not allow any conclusion about variant significance. To our knowledge, no experimental evidence demonstrating an impact on protein function has been reported. The following publication has been ascertained in the context of this evaluation (PMID: 16133180). No submitters have cited clinical-significance assessments for this variant to ClinVar. Based on the evidence outlined above, the variant was classified as uncertain significance.

Literature cited by the submitters: PubMed 16133180.